The following is an entry in ClinVar:

ClinVar aggregate classification (germline): Uncertain significance (1 of 4 stars; one submission).

gnomAD v4.1: 1 of 1,599,638 alleles (0.000063%); highest among the groups gnomAD compares: Non-Finnish European, 0.000085%; no homozygotes.

Submission:

GeneDx
Classification: Uncertain significance. Last evaluated: 2020-01-08. Review status: criteria provided, single submitter. Criteria: GeneDx Variant Classification Process June 2021. Collection method: clinical testing. Allele origin: germline. Affected: yes.
Comment: Not observed in large population cohorts (Lek et al., 2016); Has not been previously published as pathogenic or benign to our knowledge; In-silico analysis, which includes splice predictors and evolutionary conservation, is inconclusive as to whether the variant alters gene splicing. In the absence of RNA/functional studies, the actual effect of this sequence change is unknown.

NM_013335.4(GMPPA):c.900+4A>G

Genes: ASIC4-AS1 (ASIC4 antisense RNA 1; minus strand), GMPPA (GDP-mannose pyrophosphorylase A; plus strand). Cytogenetic location: 2q35.
Variant type: single nucleotide variant.
Coding change: c.900+4A>G on transcript NM_013335.4 (MANE Select); 4 bases into the intron after coding-DNA position 900, A replaced by G.
Molecular consequence: intron variant.
Genome position (GRCh38, 1-based): chr2:219,505,765, A>G. VCF-style: chr2-219505765-A-G. GRCh37 (hg19) VCF-style: chr2-220370487-A-G.
Other names: c.900+4A>G (NM_001374295.1, NM_205847.3, NM_001374294.1).
Identifiers: ClinVar variation 1308617 (VCV001308617.2), dbSNP rs759858230, ClinGen allele CA2573051868.